The following is an entry in ClinVar:

NM_001690.4(ATP6V1A):c.241C>T (p.Arg81Cys)

Gene: ATP6V1A (ATPase H+ transporting V1 subunit A; plus strand). Cytogenetic location: 3q13.31.
Variant type: single nucleotide variant.
Coding change: c.241C>T on transcript NM_001690.4 (MANE Select); coding-DNA position 241, C replaced by T.
Protein change: p.Arg81Cys; replaces arginine 81 with cysteine.
Molecular consequence: missense variant.
Genome position (GRCh38, 1-based): chr3:113,784,253, C>T. VCF-style: chr3-113784253-C-T. GRCh37 (hg19) VCF-style: chr3-113503100-C-T.
Other names: short protein forms R81C.
Identifiers: ClinVar variation 4773855 (VCV004773855.1).

ClinVar aggregate classification (germline): Uncertain significance (1 of 4 stars; one submission).

Submission:

Labcorp Genetics (formerly Invitae), Labcorp
Classification: Uncertain significance. Last evaluated: 2025-12-15. Review status: criteria provided, single submitter. Criteria: Invitae Variant Classification Sherloc (09022015). Collection method: clinical testing. Allele origin: germline.
Comment: This sequence change replaces arginine, which is basic and polar, with cysteine, which is neutral and slightly polar, at codon 81 of the ATP6V1A protein (p.Arg81Cys). This variant is present in population databases (no rsID available, gnomAD 0.006%). This variant has not been reported in the literature in individuals affected with ATP6V1A-related conditions. Invitae Evidence Modeling of protein sequence and biophysical properties (such as structural, functional, and spatial information, amino acid conservation, physicochemical variation, residue mobility, and thermodynamic stability) indicates that this missense variant is not expected to disrupt ATP6V1A protein function with a negative predictive value of 80%. Algorithms developed to predict the effect of sequence changes on RNA splicing suggest that this variant may disrupt the consensus splice site. In summary, the available evidence is currently insufficient to determine the role of this variant in disease. Therefore, it has been classified as a Variant of Uncertain Significance.